The following is an entry in ClinVar:

NM_003072.5(SMARCA4):c.22C>G (p.Leu8Val)

Gene: SMARCA4 (SWI/SNF related BAF chromatin remodeling complex subunit ATPase 4; plus strand). Cytogenetic location: 19p13.2.
Variant type: single nucleotide variant.
Coding change: c.22C>G on transcript NM_003072.5 (MANE Select); coding-DNA position 22, C replaced by G.
Protein change: p.Leu8Val; replaces leucine 8 with valine.
Molecular consequence: missense variant. On other transcripts: non-coding transcript variant (1).
Genome position (GRCh38, 1-based): chr19:10,984,173, C>G. VCF-style: chr19-10984173-C-G. GRCh37 (hg19) VCF-style: chr19-11094849-C-G.
Other names: c.22C>G, p.Leu8Val (NM_001128844.3, NM_001128845.2, NM_001128846.2 and 6 more transcripts); short protein forms L8V.
Identifiers: ClinVar variation 4827330 (VCV004827330.1).
Genomic context (GRCh38, chr19:10,984,173, plus strand): 5'-TCTTCCAGCAGGAGGCCACTGTCTGCAGCTCCCGTGAAGATGTCCACTCCAGACCCACCC[C>G]TGGGCGGAACTCCTCGGCCAGGTCCTTCCCCGGGCCCTGGCCCTTCCCCTGGAGCCATGC-3'
Protein context (NP_003063.2, residues 1-18): MSTPDPP[Leu8Val]GGTPRPGPSP

ClinVar aggregate classification (germline): Uncertain significance (1 of 4 stars; one submission).

Conditions:
Hereditary cancer-predisposing syndrome. Also called: Neoplastic Syndromes, Hereditary; Tumor predisposition; Hereditary Cancer Syndrome; Hereditary neoplastic syndrome. Identifiers: Orphanet 140162, MedGen C0027672, MeSH D009386, MONDO:0015356.

Submission:

Ambry Genetics
Classification: Uncertain significance for Hereditary cancer-predisposing syndrome. Last evaluated: 2026-03-06. Review status: criteria provided, single submitter. Criteria: Ambry Variant Classification Scheme 2023. Collection method: clinical testing. Allele origin: germline.
Comment: The p.L8V variant (also known as c.22C>G), located in coding exon 1 of the SMARCA4 gene, results from a C to G substitution at nucleotide position 22. The leucine at codon 8 is replaced by valine, an amino acid with highly similar properties. This amino acid position is not well conserved in available vertebrate species. In addition, this alteration is predicted to be tolerated by in silico analysis. Based on the available evidence, the clinical significance of this variant remains unclear.